The following is an entry in ClinVar:

NM_198682.3(GYPE):c.38G>C (p.Gly13Ala)

Gene: GYPE (glycophorin E (MNS blood group); minus strand). Cytogenetic location: 4q31.21.
Variant type: single nucleotide variant.
Coding change: c.38G>C on transcript NM_198682.3 (MANE Select); coding-DNA position 38, G replaced by C.
Protein change: p.Gly13Ala; replaces glycine 13 with alanine.
Molecular consequence: missense variant.
Genome position (GRCh38, 1-based): chr4:143,880,509, C>G on the plus strand (G>C on the coding strand, the complement: GYPE is on the minus strand). VCF-style: chr4-143880509-C-G. GRCh37 (hg19) VCF-style: chr4-144801662-C-G.
Other names: c.38G>C, p.Gly13Ala (NM_002102.4); short protein forms G13A.
Identifiers: ClinVar variation 402918 (VCV000402918.6), dbSNP rs1132785, ClinGen allele CA3092089.

ClinVar aggregate classification (germline): Benign. Review status: criteria provided, multiple submitters, no conflicts (2 of 4 stars). 2 submissions from 2 submitters: Benign (2). Last evaluated 2016-03-28.

Allele frequency attached by ClinVar (database versions not stated): 1000 Genomes Project 0.30891; 1000 Genomes Project 30x 0.33823.

Submissions (32):

Laboratory for Molecular Medicine, Mass General Brigham Personalized Medicine
Classification: Benign. Last evaluated: 2016-03-28. Review status: criteria provided, single submitter. Criteria: LMM Criteria. Collection method: clinical testing. Allele origin: germline.
Comment: Variant identified in a genome or exome case(s) and assessed due to predicted null impact of the variant or pathogenic assertions in the literature or databases. Disclaimer: This variant has not undergone full assessment. The following are preliminary notes: Frequency (no homozygotes in ExAC)

Breakthrough Genomics
Classification: Benign. Review status: criteria provided, single submitter. Criteria: ACMG Guidelines, 2015. Collection method: not provided. Allele origin: germline. Inheritance: Unknown mechanism. Affected: yes.

Dr. Peter K. Rogan Lab, Western University
No classification provided (evidence only). Condition: Familial cancer of breast. Review status: no classification provided. Collection method: in vitro. Allele origin: not applicable. Functional consequence: retained intron. Not counted in ClinVar's aggregate classification.

Dr. Peter K. Rogan Lab, Western University
No classification provided (evidence only). Condition: Familial cancer of breast. Review status: no classification provided. Collection method: in vitro. Allele origin: not applicable. Functional consequence: retained intron. Not counted in ClinVar's aggregate classification.

Dr. Peter K. Rogan Lab, Western University
No classification provided (evidence only). Condition: Familial cancer of breast. Review status: no classification provided. Collection method: in vitro. Allele origin: not applicable. Functional consequence: retained intron. Not counted in ClinVar's aggregate classification.

Dr. Peter K. Rogan Lab, Western University
No classification provided (evidence only). Condition: Familial cancer of breast. Review status: no classification provided. Collection method: in vitro. Allele origin: not applicable. Functional consequence: retained intron. Not counted in ClinVar's aggregate classification.

Dr. Peter K. Rogan Lab, Western University
No classification provided (evidence only). Condition: Familial cancer of breast. Review status: no classification provided. Collection method: in vitro. Allele origin: not applicable. Functional consequence: retained intron. Not counted in ClinVar's aggregate classification.

Dr. Peter K. Rogan Lab, Western University
No classification provided (evidence only). Condition: Familial cancer of breast. Review status: no classification provided. Collection method: in vitro. Allele origin: not applicable. Functional consequence: retained intron. Not counted in ClinVar's aggregate classification.

Dr. Peter K. Rogan Lab, Western University
No classification provided (evidence only). Condition: Colorectal cancer. Review status: no classification provided. Collection method: in vitro. Allele origin: not applicable. Functional consequence: retained intron. Not counted in ClinVar's aggregate classification.

Dr. Peter K. Rogan Lab, Western University
No classification provided (evidence only). Condition: Malignant lymphoma, large B-cell, diffuse. Review status: no classification provided. Collection method: in vitro. Allele origin: not applicable. Functional consequence: retained intron. Not counted in ClinVar's aggregate classification.

Dr. Peter K. Rogan Lab, Western University
No classification provided (evidence only). Condition: Uveal melanoma. Review status: no classification provided. Collection method: in vitro. Allele origin: not applicable. Functional consequence: retained intron. Not counted in ClinVar's aggregate classification.

Dr. Peter K. Rogan Lab, Western University
No classification provided (evidence only). Condition: Uveal melanoma. Review status: no classification provided. Collection method: in vitro. Allele origin: not applicable. Functional consequence: retained intron. Not counted in ClinVar's aggregate classification.

Dr. Peter K. Rogan Lab, Western University
No classification provided (evidence only). Condition: Uveal melanoma. Review status: no classification provided. Collection method: in vitro. Allele origin: not applicable. Functional consequence: retained intron. Not counted in ClinVar's aggregate classification.

Dr. Peter K. Rogan Lab, Western University
No classification provided (evidence only). Condition: Uveal melanoma. Review status: no classification provided. Collection method: in vitro. Allele origin: not applicable. Functional consequence: retained intron. Not counted in ClinVar's aggregate classification.

Dr. Peter K. Rogan Lab, Western University
No classification provided (evidence only). Condition: Chronic lymphocytic leukemia/small lymphocytic lymphoma. Review status: no classification provided. Collection method: in vitro. Allele origin: not applicable. Functional consequence: retained intron. Not counted in ClinVar's aggregate classification.

Dr. Peter K. Rogan Lab, Western University
No classification provided (evidence only). Condition: Chronic lymphocytic leukemia/small lymphocytic lymphoma. Review status: no classification provided. Collection method: in vitro. Allele origin: not applicable. Functional consequence: retained intron. Not counted in ClinVar's aggregate classification.

Dr. Peter K. Rogan Lab, Western University
No classification provided (evidence only). Condition: Chronic lymphocytic leukemia/small lymphocytic lymphoma. Review status: no classification provided. Collection method: in vitro. Allele origin: not applicable. Functional consequence: retained intron. Not counted in ClinVar's aggregate classification.

Dr. Peter K. Rogan Lab, Western University
No classification provided (evidence only). Condition: Chronic lymphocytic leukemia/small lymphocytic lymphoma. Review status: no classification provided. Collection method: in vitro. Allele origin: not applicable. Functional consequence: retained intron. Not counted in ClinVar's aggregate classification.

Dr. Peter K. Rogan Lab, Western University
No classification provided (evidence only). Condition: Chronic lymphocytic leukemia/small lymphocytic lymphoma. Review status: no classification provided. Collection method: in vitro. Allele origin: not applicable. Functional consequence: retained intron. Not counted in ClinVar's aggregate classification.

Dr. Peter K. Rogan Lab, Western University
No classification provided (evidence only). Condition: Nonpapillary renal cell carcinoma. Review status: no classification provided. Collection method: in vitro. Allele origin: not applicable. Functional consequence: retained intron. Not counted in ClinVar's aggregate classification.

Dr. Peter K. Rogan Lab, Western University
No classification provided (evidence only). Condition: Nonpapillary renal cell carcinoma. Review status: no classification provided. Collection method: in vitro. Allele origin: not applicable. Functional consequence: retained intron. Not counted in ClinVar's aggregate classification.

Dr. Peter K. Rogan Lab, Western University
No classification provided (evidence only). Condition: Nonpapillary renal cell carcinoma. Review status: no classification provided. Collection method: in vitro. Allele origin: not applicable. Functional consequence: retained intron. Not counted in ClinVar's aggregate classification.

Dr. Peter K. Rogan Lab, Western University
No classification provided (evidence only). Condition: Nonpapillary renal cell carcinoma. Review status: no classification provided. Collection method: in vitro. Allele origin: not applicable. Functional consequence: retained intron. Not counted in ClinVar's aggregate classification.

Dr. Peter K. Rogan Lab, Western University
No classification provided (evidence only). Condition: Nonpapillary renal cell carcinoma. Review status: no classification provided. Collection method: in vitro. Allele origin: not applicable. Functional consequence: retained intron. Not counted in ClinVar's aggregate classification.

Dr. Peter K. Rogan Lab, Western University
No classification provided (evidence only). Condition: Nonpapillary renal cell carcinoma. Review status: no classification provided. Collection method: in vitro. Allele origin: not applicable. Functional consequence: retained intron. Not counted in ClinVar's aggregate classification.

Dr. Peter K. Rogan Lab, Western University
No classification provided (evidence only). Condition: Nonpapillary renal cell carcinoma. Review status: no classification provided. Collection method: in vitro. Allele origin: not applicable. Functional consequence: retained intron. Not counted in ClinVar's aggregate classification.

Dr. Peter K. Rogan Lab, Western University
No classification provided (evidence only). Condition: Familial pancreatic carcinoma. Review status: no classification provided. Collection method: in vitro. Allele origin: not applicable. Functional consequence: retained intron. Not counted in ClinVar's aggregate classification.

Dr. Peter K. Rogan Lab, Western University
No classification provided (evidence only). Condition: Familial pancreatic carcinoma. Review status: no classification provided. Collection method: in vitro. Allele origin: not applicable. Functional consequence: retained intron. Not counted in ClinVar's aggregate classification.

Dr. Peter K. Rogan Lab, Western University
No classification provided (evidence only). Condition: Hepatocellular carcinoma. Review status: no classification provided. Collection method: in vitro. Allele origin: not applicable. Functional consequence: retained intron. Not counted in ClinVar's aggregate classification.

Dr. Peter K. Rogan Lab, Western University
No classification provided (evidence only). Condition: Lymphoma. Review status: no classification provided. Collection method: in vitro. Allele origin: not applicable. Functional consequence: retained intron. Not counted in ClinVar's aggregate classification.

Dr. Peter K. Rogan Lab, Western University
No classification provided (evidence only). Condition: Ovarian cancer. Review status: no classification provided. Collection method: in vitro. Allele origin: not applicable. Functional consequence: retained intron. Not counted in ClinVar's aggregate classification.

Dr. Peter K. Rogan Lab, Western University
No classification provided (evidence only). Condition: Ovarian cancer. Review status: no classification provided. Collection method: in vitro. Allele origin: not applicable. Functional consequence: retained intron. Not counted in ClinVar's aggregate classification.